The following is an entry in ClinVar:

NM_003477.3(PDHX):c.1024-215A>T

Gene: PDHX (pyruvate dehydrogenase complex component X; plus strand). Cytogenetic location: 11p13.
Variant type: single nucleotide variant.
Coding change: c.1024-215A>T on transcript NM_003477.3 (MANE Select); 215 bases into the intron before coding-DNA position 1024, A replaced by T.
Molecular consequence: intron variant.
Genome position (GRCh38, 1-based): chr11:34,984,355, A>T. VCF-style: chr11-34984355-A-T. GRCh37 (hg19) VCF-style: chr11-35005902-A-T.
Other names: c.844-215A>T (NM_001135024.2); c.343-215A>T (NM_001166158.2).
Identifiers: ClinVar variation 671581 (VCV000671581.1), dbSNP rs10488806, ClinGen allele CA15681577.

ClinVar aggregate classification (germline): Benign (1 of 4 stars; one submission).

Allele frequency attached by ClinVar (database versions not stated): 1000 Genomes Project 0.05990; 1000 Genomes Project 30x 0.05996; gnomAD 0.07503 and 0.07700; TOPMed 0.07636.
gnomAD v4.1: 11,414 of 152,270 alleles (7.5%); highest among the groups gnomAD compares: African/African-American, 9.1%; 439 homozygotes.

Submission:

GeneDx
Classification: Benign. Last evaluated: 2018-06-14. Review status: criteria provided, single submitter. Criteria: GeneDx Variant Classification (06012015). Collection method: clinical testing. Allele origin: germline. Affected: yes.
Comment: This variant is considered likely benign or benign based on one or more of the following criteria: it is a conservative change, it occurs at a poorly conserved position in the protein, it is predicted to be benign by multiple in silico algorithms, and/or has population frequency not consistent with disease.